The following is an entry in ClinVar:

NM_000321.3(RB1):c.686_689dup (p.Pro231fs)

Gene: RB1 (RB transcriptional corepressor 1; plus strand). Cytogenetic location: 13q14.2.
Variant type: Microsatellite.
Coding change: c.686_689dup on transcript NM_000321.3 (MANE Select); coding-DNA positions 686 to 689, 4 bases duplicated (TCTC; older notation c.686_689dupTCTC).
Protein change: p.Pro231fs; shifts the reading frame from proline 231.
Molecular consequence: frameshift variant.
Genome position (GRCh38, 1-based): chr13:48,360,095-48,360,098, TCTC duplicated; duplicating any 4 consecutive bases within chr13:48,360,094-48,360,098 gives the same sequence; the c. name uses the placement nearest the transcript's 3' end. VCF-style (leftmost placement, unchanged base first): chr13-48360093-A-ACTCT. GRCh37 (hg19) VCF-style: chr13-48934229-A-ACTCT.
Other names: c.686_689dup, p.Pro231fs (NM_001407165.1, NM_001407166.1); short protein forms P231fs.
Identifiers: ClinVar variation 2863845 (VCV002863845.3), dbSNP rs2542178688, ClinGen allele CA2739277650.

ClinVar aggregate classification (germline): Pathogenic (1 of 4 stars; one submission).

Conditions:
Retinoblastoma (RB1). Also called: RETINOBLASTOMA, SOMATIC. Identifiers: Orphanet 790, MedGen C0035335, MeSH D012175, MONDO:0008380, OMIM 180200, HP:0009919. Disease mechanism: loss of function. Inheritance: Both sporadic and heritable forms are tested..

Submission:

Labcorp Genetics (formerly Invitae), Labcorp
Classification: Pathogenic for Retinoblastoma. Last evaluated: 2023-05-13. Review status: criteria provided, single submitter. Criteria: Invitae Variant Classification Sherloc (09022015). Collection method: clinical testing. Allele origin: germline.
Comment: This variant has not been reported in the literature in individuals affected with RB1-related conditions. This sequence change creates a premature translational stop signal (p.Pro231Leufs*11) in the RB1 gene. It is expected to result in an absent or disrupted protein product. Loss-of-function variants in RB1 are known to be pathogenic (PMID: 17096365). This variant is not present in population databases (gnomAD no frequency). For these reasons, this variant has been classified as Pathogenic.

Literature cited by the submitters: PubMed 17096365.